The following is an entry in ClinVar:

NM_012479.4(YWHAG):c.137C>A (p.Ser46Tyr)

Gene: YWHAG (tyrosine 3-monooxygenase/tryptophan 5-monooxygenase activation protein gamma; minus strand). Cytogenetic location: 7q11.23.
Variant type: single nucleotide variant.
Coding change: c.137C>A on transcript NM_012479.4 (MANE Select); coding-DNA position 137, C replaced by A.
Protein change: p.Ser46Tyr; replaces serine 46 with tyrosine.
Molecular consequence: missense variant.
Genome position (GRCh38, 1-based): chr7:76,330,184, G>T on the plus strand (C>A on the coding strand, the complement: YWHAG is on the minus strand). VCF-style: chr7-76330184-G-T. GRCh37 (hg19) VCF-style: chr7-75959501-G-T.
Other names: short protein forms S46Y.
Identifiers: ClinVar variation 4076333 (VCV004076333.1).
Genomic context (GRCh38, chr7:76,330,184, plus strand): 5'-ATGCTACTGATGACCCTCCAGGAAGAGCGGCGTGCCCCCACAACGTTCTTGTAGGCCACA[G>T]ACAGAAGGTTTCGTTCCTCATTCGACAGTGGCTCATTCAGCTCTGTCACCTGCCAGGAGG-3'
Protein context (NP_036611.2, residues 36-56): PLSNEERNLL[Ser46Tyr]VAYKNVVGAR

ClinVar aggregate classification (germline): Uncertain significance (1 of 4 stars; one submission).

Conditions:
Developmental and epileptic encephalopathy, 56. Also called: EPILEPTIC ENCEPHALOPATHY, EARLY INFANTILE, 56. Identifiers: MedGen C4540034, MONDO:0033365, OMIM 617665.

Submission:

Laboratorio de Genetica e Diagnostico Molecular, Hospital Israelita Albert Einstein
Classification: Uncertain significance for Developmental and epileptic encephalopathy, 56. Last evaluated: 2023-08-24. Review status: criteria provided, single submitter. Criteria: ACMG Guidelines, 2015. Collection method: clinical testing. Allele origin: germline. Affected: yes.
Comment: ACMG classification criteria: PM2 moderate, PP3 supporting